The following is an entry in ClinVar:

NM_001267550.2(TTN):c.81719G>C (p.Arg27240Thr)

Genes: TTN (titin; minus strand), TTN-AS1 (TTN antisense RNA 1; plus strand). Cytogenetic location: 2q31.2.
Variant type: single nucleotide variant.
Coding change: c.81719G>C on transcript NM_001267550.2 (MANE Select); coding-DNA position 81719, G replaced by C.
Protein change: p.Arg27240Thr; replaces arginine 27240 with threonine.
Molecular consequence: missense variant.
Genome position (GRCh38, 1-based): chr2:178,564,413, C>G on the plus strand (G>C on the coding strand, the complement: TTN is on the minus strand). VCF-style: chr2-178564413-C-G. GRCh37 (hg19) VCF-style: chr2-179429140-C-G.
Other names: c.76796G>C, p.Arg25599Thr (NM_001256850.1); c.54524G>C, p.Arg18175Thr (NM_003319.4); c.74015G>C, p.Arg24672Thr (NM_133378.4); c.54899G>C, p.Arg18300Thr (NM_133432.3); c.55100G>C, p.Arg18367Thr (NM_133437.4); short protein forms R18367T, R24672T, R18300T, R18175T, R25599T, R27240T.
Identifiers: ClinVar variation 1747620 (VCV001747620.2), dbSNP rs1704895564, ClinGen allele CA349578473.

ClinVar aggregate classification (germline): Uncertain significance (1 of 4 stars; one submission).

Conditions:
Cardiovascular phenotype. Identifiers: MedGen CN230736.

Submission:

Ambry Genetics
Classification: Uncertain significance for Cardiovascular phenotype. Last evaluated: 2019-12-10. Review status: criteria provided, single submitter. Criteria: Ambry Variant Classification Scheme 2023. Collection method: clinical testing. Allele origin: germline.
Comment: The p.R18175T variant (also known as c.54524G>C), located in coding exon 153 of the TTN gene, results from a G to C substitution at nucleotide position 54524. The arginine at codon 18175 is replaced by threonine, an amino acid with similar properties. This amino acid position is not well conserved in available vertebrate species. In addition, this alteration is predicted to be tolerated by in silico analysis. Since supporting evidence is limited at this time, the clinical significance of this alteration remains unclear.